The following is an entry in ClinVar:

ClinVar aggregate classification (germline): Uncertain significance (1 of 4 stars; one submission).

Conditions:
Amyotrophic lateral sclerosis type 21. Also called: VOCAL CORD AND PHARYNGEAL DYSFUNCTION WITH DISTAL MYOPATHY; MYOPATHY, DISTAL, 2. Identifiers: Orphanet 600, Orphanet 803, MedGen C3807521, MONDO:0011632, OMIM 606070.

Submission:

Labcorp Genetics (formerly Invitae), Labcorp
Classification: Uncertain significance for Amyotrophic lateral sclerosis type 21. Last evaluated: 2024-09-17. Review status: criteria provided, single submitter. Criteria: Invitae Variant Classification Sherloc (09022015). Collection method: clinical testing. Allele origin: germline.
Comment: This sequence change affects codon 384 of the MATR3 mRNA. It is a 'silent' change, meaning that it does not change the encoded amino acid sequence of the MATR3 protein. This variant is not present in population databases (gnomAD no frequency). This variant has not been reported in the literature in individuals affected with MATR3-related conditions. Algorithms developed to predict the effect of sequence changes on RNA splicing suggest that this variant may disrupt the consensus splice site. In summary, the available evidence is currently insufficient to determine the role of this variant in disease. Therefore, it has been classified as a Variant of Uncertain Significance.

NM_018834.6(MATR3):c.1152A>G (p.Gln384=)

Gene: MATR3 (matrin 3; plus strand). Cytogenetic location: 5q31.2.
Variant type: single nucleotide variant.
Coding change: c.1152A>G on transcript NM_018834.6 (MANE Select); coding-DNA position 1152, A replaced by G.
Protein change: p.Gln384=; no amino-acid change (glutamine 384 retained).
Molecular consequence: synonymous variant.
Genome position (GRCh38, 1-based): chr5:139,317,075, A>G. VCF-style: chr5-139317075-A-G. GRCh37 (hg19) VCF-style: chr5-138652764-A-G.
Other names: c.1152A>G, p.Gln384= (NM_001194954.2, NM_001194955.2, NM_001400441.1 and 16 more transcripts); c.288A>G, p.Gln96= (NM_001194956.2); c.138A>G, p.Gln46= (NM_001282278.2, NM_001400462.1, NM_001400463.1 and 5 more transcripts); c.252A>G, p.Gln84= (NM_001400461.1); c.291A>G, p.Gln97= (NM_001400459.1).
Identifiers: ClinVar variation 3625908 (VCV003625908.2).